The following is an entry in ClinVar:

NM_003072.5(SMARCA4):c.4658T>C (p.Leu1553Ser)

Gene: SMARCA4 (SWI/SNF related BAF chromatin remodeling complex subunit ATPase 4; plus strand). Cytogenetic location: 19p13.2.
Variant type: single nucleotide variant.
Coding change: c.4658T>C on transcript NM_003072.5 (MANE Select); coding-DNA position 4658, T replaced by C.
Protein change: p.Leu1553Ser; replaces leucine 1553 with serine.
Molecular consequence: missense variant. On other transcripts: non-coding transcript variant (1).
Genome position (GRCh38, 1-based): chr19:11,059,775, T>C. VCF-style: chr19-11059775-T-C. GRCh37 (hg19) VCF-style: chr19-11170451-T-C.
Other names: c.4658T>C, p.Leu1553Ser (NM_001128844.3); c.4568T>C, p.Leu1523Ser (NM_001128845.2); c.4565T>C, p.Leu1522Ser (NM_001128846.2); c.4559T>C, p.Leu1520Ser (NM_001128847.4, NM_001374457.1); c.4556T>C, p.Leu1519Ser (NM_001128848.2); c.4754T>C, p.Leu1585Ser (NM_001128849.3, NM_001387283.1); c.4655T>C, p.Leu1552Ser (NM_001411150.1); short protein forms L1519S, L1520S, L1522S, L1523S, L1552S, L1553S, L1585S.
Identifiers: ClinVar variation 2682083 (VCV002682083.1), dbSNP rs2147113387, ClinGen allele CA404079239.

ClinVar aggregate classification (germline): Uncertain significance (1 of 4 stars; one submission).

Submission:

Quest Diagnostics Nichols Institute San Juan Capistrano
Classification: Uncertain significance. Last evaluated: 2022-12-09. Review status: criteria provided, single submitter. Criteria: Quest Diagnostics criteria. Collection method: clinical testing. Allele origin: unknown.
Comment: This variant has not been reported in the published literature. It also has not been reported in large, multi-ethnic general populations. Analysis of this variant using bioinformatics tools for the prediction of the effect of amino acid changes on protein structure and function yielded conflicting predictions that this variant is benign or damaging. Based on the available information, we are unable to determine the clinical significance of this variant.